The following is an entry in ClinVar:

ClinVar aggregate classification (germline): Uncertain significance (1 of 4 stars; one submission).

Conditions:
Hereditary cancer-predisposing syndrome. Also called: Neoplastic Syndromes, Hereditary; Tumor predisposition; Hereditary neoplastic syndrome; Hereditary Cancer Syndrome. Identifiers: Orphanet 140162, MedGen C0027672, MeSH D009386, MONDO:0015356.

Allele frequency attached by ClinVar (database versions not stated): gnomAD 0.00001.
gnomAD v4.1: 1 of 1,613,718 alleles (0.000062%); highest among the groups gnomAD compares: Non-Finnish European, 0.000085%; no homozygotes.

Submission:

Ambry Genetics
Classification: Uncertain significance for Hereditary cancer-predisposing syndrome. Last evaluated: 2024-02-13. Review status: criteria provided, single submitter. Criteria: Ambry Variant Classification Scheme 2023. Collection method: clinical testing. Allele origin: germline.
Comment: The p.C1109Y variant (also known as c.3326G>A), located in coding exon 15 of the MET gene, results from a G to A substitution at nucleotide position 3326. The cysteine at codon 1109 is replaced by tyrosine, an amino acid with highly dissimilar properties. This amino acid position is highly conserved in available vertebrate species. In addition, this alteration is predicted to be deleterious by in silico analysis. Based on the available evidence, the clinical significance of this alteration remains unclear.

NM_000245.4(MET):c.3272G>A (p.Cys1091Tyr)

Gene: MET (MET proto-oncogene, receptor tyrosine kinase; plus strand). Cytogenetic location: 7q31.2.
Variant type: single nucleotide variant.
Coding change: c.3272G>A on transcript NM_000245.4 (MANE Select); coding-DNA position 3272, G replaced by A.
Protein change: p.Cys1091Tyr; replaces cysteine 1091 with tyrosine.
Molecular consequence: missense variant.
Genome position (GRCh38, 1-based): chr7:116,777,401, G>A. VCF-style: chr7-116777401-G-A. GRCh37 (hg19) VCF-style: chr7-116417455-G-A.
Other names: c.3326G>A, p.Cys1109Tyr (NM_001127500.3); c.1982G>A, p.Cys661Tyr (NM_001324402.2); short protein forms C1091Y, C1109Y, C661Y.
Identifiers: ClinVar variation 3232978 (VCV003232978.1), dbSNP rs1235755029, ClinGen allele CA368989559.